The following is an entry in ClinVar:

NM_000466.3(PEX1):c.2416+1G>T

Gene: PEX1 (peroxisomal biogenesis factor 1; minus strand). Cytogenetic location: 7q21.2.
Variant type: single nucleotide variant.
Coding change: c.2416+1G>T on transcript NM_000466.3 (MANE Select); the canonical splice donor site of the intron after coding-DNA position 2416, G replaced by T.
Molecular consequence: splice donor variant.
Genome position (GRCh38, 1-based): chr7:92,501,889, C>A on the plus strand (G>T on the coding strand, the complement: PEX1 is on the minus strand). VCF-style: chr7-92501889-C-A. GRCh37 (hg19) VCF-style: chr7-92131203-C-A.
Other names: c.2245+1G>T (NM_001282677.2); c.1792+1G>T (NM_001282678.2).
Identifiers: ClinVar variation 4818393 (VCV004818393.1).
Genomic context (GRCh38, chr7:92,501,889, plus strand): 5'-AATTACATTTCTCCACAATAGAAAGAAGATTCCAAGTTCAGGTTTTAATAGTAAAACATA[C>A]TTTCTCTGGTGGATATACTCTGACGAGAGAGTCGAGAATGTATGGCTCGATCCACAAGTA-3'

ClinVar aggregate classification (germline): Pathogenic (1 of 4 stars; one submission).

Conditions:
Zellweger spectrum disorders (ZS). Also called: Zellweger Spectrum Disorder (ZSD); Zellweger syndrome; Zellweger Spectrum Disorder; Zellweger Spectrum. Identifiers: Orphanet 912, MedGen C0043459, MONDO:0019609.

Submission:

Natera, Inc.
Classification: Pathogenic for Zellweger syndrome. Last evaluated: 2025-08-25. Review status: criteria provided, single submitter. Criteria: Natera Variant Classification Schema (03/2026). Collection method: clinical testing. Allele origin: germline.
Comment: The c.2416+1G>T variant in PEX1 is a canonical splice donor site variant predicted to affect pre-mRNA splicing, which may result in an abnormal transcript and altered protein product. This variant is expected to result in nonsense mediated decay, truncation, or a dysfunctional protein product. This variant is rare in the general population with a frequency below the threshold expected for the associated phenotype(s). This variant has been observed in one or more individuals affected with the associated recessive disease, as either homozygous or compound heterozygous with a second variant (PMID: 28432012). Given the available evidence, this variant is classified as Pathogenic.

Literature cited by the submitters: PubMed 28432012.